The following is an entry in ClinVar:

NM_000276.4(OCRL):c.18G>A (p.Pro6=)

Genes: OCRL (OCRL inositol polyphosphate-5-phosphatase; plus strand), LOC113875008 (Sharpr-MPRA regulatory region 13828; plus strand). Cytogenetic location: Xq26.1.
Variant type: single nucleotide variant.
Coding change: c.18G>A on transcript NM_000276.4 (MANE Select); coding-DNA position 18, G replaced by A.
Protein change: p.Pro6=; no amino-acid change (proline 6 retained).
Molecular consequence: synonymous variant.
Genome position (GRCh38, 1-based): chrX:129,540,457, G>A. VCF-style: chrX-129540457-G-A. GRCh37 (hg19) VCF-style: chrX-128674434-G-A.
Other names: c.18G>A, p.Pro6= (NM_001318784.2, NM_001587.4).
Identifiers: ClinVar variation 2661393 (VCV002661393.24), dbSNP rs2521835970, ClinGen allele CA518469540.

ClinVar aggregate classification (germline): Likely benign (1 of 4 stars; one submission).

Allele frequency attached by ClinVar (database versions not stated): gnomAD exomes below 0.00001.
gnomAD v4.1: 3 of 1,156,043 alleles (0.00026%); highest among the groups gnomAD compares: Non-Finnish European, 0.00023%; no homozygotes.

Submission:

CeGaT Center for Human Genetics Tuebingen
Classification: Likely benign. Last evaluated: 2023-01-01. Review status: criteria provided, single submitter. Criteria: CeGaT Center For Human Genetics Tuebingen Variant Classification Criteria Version 2. Collection method: clinical testing. Allele origin: germline. Affected: yes. Observed: 1 variant allele.
Comment: OCRL: PM2:Supporting, BP4, BP7